The following is an entry in ClinVar:

NM_001329943.3(KIAA0586):c.3415_3416delinsTG (p.Asp1139Cys)

Gene: KIAA0586 (KIAA0586; plus strand). Cytogenetic location: 14q23.1.
Variant type: Indel.
Coding change: c.3415_3416delinsTG on transcript NM_001329943.3 (MANE Select); coding-DNA positions 3415 to 3416, GA replaced by TG.
Protein change: p.Asp1139Cys; replaces aspartic acid 1139 with cysteine.
Molecular consequence: missense variant.
Genome position (GRCh38, 1-based): chr14:58,487,997-58,487,998, GA replaced by TG. VCF-style: chr14-58487997-GA-TG. GRCh37 (hg19) VCF-style: chr14-58954715-GA-TG.
Other names: c.3574_3575delinsTG, p.Asp1192Cys (NM_001244189.2); c.3370_3371delinsTG, p.Asp1124Cys (NM_001244190.2); c.3160_3161delinsTG, p.Asp1054Cys (NM_001244191.2, NM_001329945.2, NM_001364700.1 and 1 more transcripts); c.3283_3284delinsTG, p.Asp1095Cys (NM_001244192.2); c.2995_2996delinsTG, p.Asp999Cys (NM_001244193.2); c.3415_3416delinsTG, p.Asp1139Cys (NM_001329944.2, NM_001329946.2, NM_001329947.2); c.3187_3188delinsTG, p.Asp1063Cys (NM_014749.5); short protein forms D1054C, D1095C, D1124C, D1192C, D1063C, D999C, D1139C.
Identifiers: ClinVar variation 1471248 (VCV001471248.3), dbSNP rs2141194171, ClinGen allele CA2573150073.
Genomic context (GRCh38, chr14:58,487,997, plus strand): 5'-ACTACTACACCTCCTCCAGCGGCGGCAGTTTTTACCCCAACTTTGTCAGATATTTCCATT[GA>TG]TAAATTGAAGGTATCAAGCCCAGAGCTTCCCAAGCCATGGGGTGATGGAGACCTGCCACT-3'
Protein context (NP_001316872.1, residues 1129-1149): FTPTLSDISI[Asp1139Cys]KLKVSSPELP

ClinVar aggregate classification (germline): Uncertain significance (1 of 4 stars; one submission).

Conditions:
Joubert syndrome 23 (JBTS23). Identifiers: Orphanet 475, MedGen C4084822, MONDO:0014664, OMIM 616490.
Short-rib thoracic dysplasia 14 with polydactyly (SRTD14). Identifiers: Orphanet 397715, MedGen C4225286, MONDO:0014688, OMIM 616546.

Submission:

Labcorp Genetics (formerly Invitae), Labcorp
Classification: Uncertain significance for Joubert syndrome 23; Short-rib thoracic dysplasia 14 with polydactyly. Last evaluated: 2021-10-08. Review status: criteria provided, single submitter. Criteria: Invitae Variant Classification Sherloc (09022015). Collection method: clinical testing. Allele origin: germline.
Comment: This sequence change replaces aspartic acid with cysteine at codon 1192 of the KIAA0586 protein (p.Asp1192Cys). The aspartic acid residue is moderately conserved and there is a large physicochemical difference between aspartic acid and cysteine. The frequency data for this variant in the population databases is not available, as this variant may be reported as separate entries in the ExAC database. This variant has not been reported in the literature in individuals affected with KIAA0586-related conditions. Algorithms developed to predict the effect of missense changes on protein structure and function are either unavailable or do not agree on the potential impact of this missense change (SIFT: "Not Available"; PolyPhen-2: "Probably Damaging"; Align-GVGD: "Not Available"). In summary, the available evidence is currently insufficient to determine the role of this variant in disease. Therefore, it has been classified as a Variant of Uncertain Significance.